The following is an entry in ClinVar:

ClinVar aggregate classification (germline): Likely benign. Review status: criteria provided, single submitter (1 of 4 stars). 2 submissions from 2 submitters: Likely benign (1). 1 of the submissions does not count toward it. Last evaluated 2025-06-12.

Conditions:
LMX1B-related disorder. Also called: LMX1B-related condition.

gnomAD v4.1: 19 of 1,612,414 alleles (0.0012%); highest among the groups gnomAD compares: East Asian, 0.016%; no homozygotes.

Submissions (2):

Labcorp Genetics (formerly Invitae), Labcorp
Classification: Likely benign. Last evaluated: 2025-06-12. Review status: criteria provided, single submitter. Criteria: Invitae Variant Classification Sherloc (09022015). Collection method: clinical testing. Allele origin: germline.

PreventionGenetics, part of Exact Sciences
Classification: Likely benign for LMX1B-related condition. Last evaluated: 2022-12-22. Review status: no assertion criteria provided. Collection method: clinical testing. Allele origin: germline. Not counted in ClinVar's aggregate classification.
Comment: This variant is classified as likely benign based on ACMG/AMP sequence variant interpretation guidelines (Richards et al. 2015 PMID: 25741868, with internal and published modifications).

NM_001174147.2(LMX1B):c.534C>T (p.Ser178=)

Gene: LMX1B (LIM homeobox transcription factor 1 beta; plus strand). Cytogenetic location: 9q33.3.
Variant type: single nucleotide variant.
Coding change: c.534C>T on transcript NM_001174147.2 (MANE Select); coding-DNA position 534, C replaced by T.
Protein change: p.Ser178=; no amino-acid change (serine 178 retained).
Molecular consequence: synonymous variant.
Genome position (GRCh38, 1-based): chr9:126,691,043, C>T. VCF-style: chr9-126691043-C-T. GRCh37 (hg19) VCF-style: chr9-129453322-C-T.
Other names: c.534C>T, p.Ser178= (NM_001174146.2, NM_002316.4).
Identifiers: ClinVar variation 3032111 (VCV003032111.4), dbSNP rs116316477, ClinGen allele CA5242331.